The following is an entry in ClinVar:

ClinVar aggregate classification (germline): Uncertain significance (1 of 4 stars; one submission).

Conditions:
Salla disease (SD). Also called: Less Severe FSASD (Salla Disease); Sialuria, Finnish type; N-acetylneuraminic acid (NANA) storage disease (NSD); Infantile sialic acid storage disorder (ISSD). Identifiers: Orphanet 309334, Orphanet 834, MedGen C1096903, MONDO:0011449, OMIM 604369.

Submission:

Labcorp Genetics (formerly Invitae), Labcorp
Classification: Uncertain significance for Salla disease. Last evaluated: 2022-05-16. Review status: criteria provided, single submitter. Criteria: Invitae Variant Classification Sherloc (09022015). Collection method: clinical testing. Allele origin: germline.
Comment: This sequence change replaces asparagine, which is neutral and polar, with serine, which is neutral and polar, at codon 451 of the SLC17A5 protein (p.Asn451Ser). This variant is not present in population databases (gnomAD no frequency). This variant has not been reported in the literature in individuals affected with SLC17A5-related conditions. Algorithms developed to predict the effect of missense changes on protein structure and function are either unavailable or do not agree on the potential impact of this missense change (SIFT: "Deleterious"; PolyPhen-2: "Benign"; Align-GVGD: "Class C0"). In summary, the available evidence is currently insufficient to determine the role of this variant in disease. Therefore, it has been classified as a Variant of Uncertain Significance.

NM_012434.5(SLC17A5):c.1352A>G (p.Asn451Ser)

Gene: SLC17A5 (solute carrier family 17 member 5; minus strand). Cytogenetic location: 6q13.
Variant type: single nucleotide variant.
Coding change: c.1352A>G on transcript NM_012434.5 (MANE Select); coding-DNA position 1352, A replaced by G.
Protein change: p.Asn451Ser; replaces asparagine 451 with serine.
Molecular consequence: missense variant.
Genome position (GRCh38, 1-based): chr6:73,595,213, T>C on the plus strand (A>G on the coding strand, the complement: SLC17A5 is on the minus strand). VCF-style: chr6-73595213-T-C. GRCh37 (hg19) VCF-style: chr6-74304936-T-C.
Other names: c.1121A>G, p.Asn374Ser (NM_001382629.1); c.1261A>G, p.Thr421Ala (NM_001382630.1); c.1373A>G, p.Asn458Ser (NM_001382631.1); c.1265A>G, p.Asn422Ser (NM_001382632.1); c.1450A>G, p.Thr484Ala (NM_001382633.1); c.1193A>G, p.Asn398Ser (NM_001382634.1); c.1349A>G, p.Asn450Ser (NM_001382635.1); c.1034A>G, p.Asn345Ser (NM_001382636.1); short protein forms N345S, N422S, N374S, T421A, N458S, N398S, N450S, N451S.
Identifiers: ClinVar variation 1995240 (VCV001995240.4), dbSNP rs2533356904, ClinGen allele CA364719123.